The following is an entry in ClinVar:

ClinVar aggregate classification (germline): Uncertain significance (1 of 4 stars; one submission).

Conditions:
Aicardi-Goutieres syndrome 6 (AGS6). Identifiers: Orphanet 51, MedGen C3539013, MONDO:0014007, OMIM 615010.
Symmetrical dyschromatosis of extremities (DSH). Also called: DYSCHROMATOSIS SYMMETRICA HEREDITARIA 1; RETICULATE ACROPIGMENTATION OF DOHI; SYMMETRIC DYSCHROMATOSIS OF THE EXTREMITIES; Dyschromatosis symmetrica hereditaria. Identifiers: Orphanet 41, MedGen C0406775, MONDO:0007483, OMIM 127400.

Allele frequency attached by ClinVar (database versions not stated): gnomAD exomes below 0.00001.
gnomAD v4.1: 1 of 1,614,202 alleles (0.000062%); highest among the groups gnomAD compares: Admixed American, 0.0017%; no homozygotes.

Submission:

Labcorp Genetics (formerly Invitae), Labcorp
Classification: Uncertain significance for Aicardi-Goutieres syndrome 6; Symmetrical dyschromatosis of extremities. Last evaluated: 2025-10-02. Review status: criteria provided, single submitter. Criteria: Invitae Variant Classification Sherloc (09022015). Collection method: clinical testing. Allele origin: germline.
Comment: This sequence change replaces glutamic acid, which is acidic and polar, with glutamine, which is neutral and polar, at codon 140 of the ADAR protein (p.Glu140Gln). This variant is not present in population databases (gnomAD no frequency). This variant has not been reported in the literature in individuals affected with ADAR-related conditions. ClinVar contains an entry for this variant (Variation ID: 1462371). An algorithm developed to predict the effect of missense changes on protein structure and function outputs the following: PolyPhen-2: "Benign". The glutamine amino acid residue is found in multiple mammalian species, which suggests that this missense change does not adversely affect protein function. In summary, the available evidence is currently insufficient to determine the role of this variant in disease. Therefore, it has been classified as a Variant of Uncertain Significance.

NM_001111.5(ADAR):c.418G>C (p.Glu140Gln)

Gene: ADAR (adenosine deaminase RNA specific; minus strand). Cytogenetic location: 1q21.3.
Variant type: single nucleotide variant.
Coding change: c.418G>C on transcript NM_001111.5 (MANE Select); coding-DNA position 418, G replaced by C.
Protein change: p.Glu140Gln; replaces glutamic acid 140 with glutamine.
Molecular consequence: missense variant. On other transcripts: 5 prime UTR variant (6).
Genome position (GRCh38, 1-based): chr1:154,602,224, C>G on the plus strand (G>C on the coding strand, the complement: ADAR is on the minus strand). VCF-style: chr1-154602224-C-G. GRCh37 (hg19) VCF-style: chr1-154574700-C-G.
Other names: c.-468G>C (NM_001025107.3, NM_001193495.2, NM_001365046.1 and 3 more transcripts); c.445G>C, p.Glu149Gln (NM_001365045.1); c.418G>C, p.Glu140Gln (NM_015840.4, NM_015841.4); short protein forms E140Q, E149Q.
Identifiers: ClinVar variation 1462371 (VCV001462371.8), dbSNP rs2101644028, ClinGen allele CA342603025.